The following is an entry in ClinVar:

ClinVar aggregate classification (germline): Uncertain significance. Review status: criteria provided, multiple submitters, no conflicts (2 of 4 stars). 2 submissions from 2 submitters: Uncertain significance (2). Last evaluated 2025-07-01.

Conditions:
Inborn genetic diseases. Identifiers: MedGen C0950123, MeSH D030342.

Submissions (2):

Ambry Genetics
Classification: Uncertain significance for Inborn genetic diseases. Last evaluated: 2025-07-01. Review status: criteria provided, single submitter. Criteria: Ambry Variant Classification Scheme 2023. Collection method: clinical testing. Allele origin: germline.

Labcorp Genetics (formerly Invitae), Labcorp
Classification: Uncertain significance. Last evaluated: 2020-12-27. Review status: criteria provided, single submitter. Criteria: Invitae Variant Classification Sherloc (09022015). Collection method: clinical testing. Allele origin: germline.
Comment: Algorithms developed to predict the effect of missense changes on protein structure and function output the following: SIFT: "Tolerated"; PolyPhen-2: "Benign"; Align-GVGD: "Class C0". The cysteine amino acid residue is found in multiple mammalian species, suggesting that this missense change does not adversely affect protein function. These predictions have not been confirmed by published functional studies and their clinical significance is uncertain. This variant has not been reported in the literature in individuals with CDT1-related conditions. This variant is not present in population databases (ExAC no frequency). This sequence change replaces arginine with cysteine at codon 158 of the CDT1 protein (p.Arg158Cys). The arginine residue is weakly conserved and there is a large physicochemical difference between arginine and cysteine. In summary, the available evidence is currently insufficient to determine the role of this variant in disease. Therefore, it has been classified as a Variant of Uncertain Significance.

NM_030928.4(CDT1):c.472C>T (p.Arg158Cys)

Gene: CDT1 (chromatin licensing and DNA replication factor 1; plus strand). Cytogenetic location: 16q24.3.
Variant type: single nucleotide variant.
Coding change: c.472C>T on transcript NM_030928.4 (MANE Select); coding-DNA position 472, C replaced by T.
Protein change: p.Arg158Cys; replaces arginine 158 with cysteine.
Molecular consequence: missense variant.
Genome position (GRCh38, 1-based): chr16:88,804,882, C>T. VCF-style: chr16-88804882-C-T. GRCh37 (hg19) VCF-style: chr16-88871290-C-T.
Other names: c.472C>T (NM_030928.3); short protein forms R158C.
Identifiers: ClinVar variation 1425234 (VCV001425234.9), dbSNP rs2142942349, ClinGen allele CA397073537.